The following is an entry in ClinVar:

ClinVar aggregate classification (germline): Pathogenic (1 of 4 stars; one submission).

Submission:

Labcorp Genetics (formerly Invitae), Labcorp
Classification: Pathogenic. Last evaluated: 2023-05-26. Review status: criteria provided, single submitter. Criteria: Invitae Variant Classification Sherloc (09022015). Collection method: clinical testing. Allele origin: germline.
Comment: This variant is not present in population databases (gnomAD no frequency). This sequence change creates a premature translational stop signal (p.Ser276Leufs*12) in the MYO7A gene. It is expected to result in an absent or disrupted protein product. Loss-of-function variants in MYO7A are known to be pathogenic (PMID: 8900236, 25404053). For these reasons, this variant has been classified as Pathogenic. This variant has not been reported in the literature in individuals affected with MYO7A-related conditions.

Literature cited by the submitters: PubMed 8900236; PubMed 25404053.

NM_000260.4(MYO7A):c.826del (p.Ser276fs)

Gene: MYO7A (myosin VIIA; plus strand). Cytogenetic location: 11q13.5.
Variant type: Deletion.
Coding change: c.826del on transcript NM_000260.4 (MANE Select); coding-DNA position 826, one base deleted (T; older notation c.826delT).
Protein change: p.Ser276fs; shifts the reading frame from serine 276.
Molecular consequence: frameshift variant.
Genome position (GRCh38, 1-based): chr11:77,157,369, T deleted. VCF-style (leftmost placement, unchanged base first): chr11-77157368-CT-C. GRCh37 (hg19) VCF-style: chr11-76868414-CT-C.
Other names: c.826del, p.Ser276fs (NM_001127180.2); c.793del, p.Ser265fs (NM_001369365.1); short protein forms S265fs, S276fs.
Identifiers: ClinVar variation 2730967 (VCV002730967.3), dbSNP rs2496764652, ClinGen allele CA2697548814.